The following is an entry in ClinVar:

ClinVar aggregate classification (germline): Uncertain significance (1 of 4 stars; one submission).

Conditions:
ANKS6-related disorder. Also called: ANKS6-related condition.

gnomAD v4.1: 1 of 1,613,992 alleles (0.000062%); highest among the groups gnomAD compares: Non-Finnish European, 0.000085%; no homozygotes.

Submission:

PreventionGenetics, part of Exact Sciences
Classification: Uncertain significance for ANKS6-related condition. Last evaluated: 2026-05-25. Review status: criteria provided, single submitter. Criteria: ACMG Guidelines, 2015. Collection method: clinical testing. Allele origin: germline.
Comment: The ANKS6 c.1308C>G variant is predicted to result in the amino acid substitution p.His436Gln. To our knowledge, this variant has not been reported in the literature or in a large population database (gnomAD), indicating this variant is rare. At this time, the clinical significance of this variant is uncertain due to the absence of conclusive functional and genetic evidence.

NM_173551.5(ANKS6):c.1308C>G (p.His436Gln)

Gene: ANKS6 (ankyrin repeat and sterile alpha motif domain containing 6; minus strand). Cytogenetic location: 9q22.33.
Variant type: single nucleotide variant.
Coding change: c.1308C>G on transcript NM_173551.5 (MANE Select); coding-DNA position 1308, C replaced by G.
Protein change: p.His436Gln; replaces histidine 436 with glutamine.
Molecular consequence: missense variant.
Genome position (GRCh38, 1-based): chr9:98,780,249, G>C on the plus strand (C>G on the coding strand, the complement: ANKS6 is on the minus strand). VCF-style: chr9-98780249-G-C. GRCh37 (hg19) VCF-style: chr9-101542531-G-C.
Other names: short protein forms H436Q.
Identifiers: ClinVar variation 3346412 (VCV003346412.2).